The following is an entry in ClinVar:

NM_000135.4(FANCA):c.1928C>G (p.Pro643Arg)

Gene: FANCA (FA complementation group A; minus strand). Cytogenetic location: 16q24.3.
Variant type: single nucleotide variant.
Coding change: c.1928C>G on transcript NM_000135.4 (MANE Select); coding-DNA position 1928, C replaced by G.
Protein change: p.Pro643Arg; replaces proline 643 with arginine.
Molecular consequence: missense variant.
Genome position (GRCh38, 1-based): chr16:89,773,357, G>C on the plus strand (C>G on the coding strand, the complement: FANCA is on the minus strand). VCF-style: chr16-89773357-G-C. GRCh37 (hg19) VCF-style: chr16-89839765-G-C.
Other names: c.1928C>G (LRG_495t1, NM_000135.3); c.1928C>G, p.Pro643Arg (NM_001286167.3); short protein forms P643R.
Identifiers: ClinVar variation 134248 (VCV000134248.25), dbSNP rs34592408, ClinGen allele CA159257.

ClinVar aggregate classification (germline): Benign/Likely benign. Review status: criteria provided, multiple submitters, no conflicts (2 of 4 stars). 7 submissions from 7 submitters: Benign (4); Likely benign (1). 2 of the submissions do not count toward it. Last evaluated 2026-01-31.

Conditions:
Fanconi anemia (FA). Also called: Fanconi's anemia. Identifiers: Orphanet 84, MedGen C0015625, MeSH D005199, MONDO:0019391.
Fanconi anemia complementation group A (FANCA). Also called: FANCA-Related Fanconi Anemia; Fanconi anemia, group A. Identifiers: Orphanet 84, MedGen C3469521, MONDO:0009215, OMIM 227650.

Allele frequency attached by ClinVar (database versions not stated): gnomAD exomes 0.00051 and 0.00126; ExAC 0.00282; 1000 Genomes Project 0.00439; 1000 Genomes Project 30x 0.00531; gnomAD 0.00552 and 0.00601; ESP Exome Variant Server 0.00619; TOPMed 0.00629.
gnomAD v4.1: 1,564 of 1,551,470 alleles (0.1%); highest among the groups gnomAD compares: African/African-American, 2%; 14 homozygotes.

Submissions (7):

Labcorp Genetics (formerly Invitae), Labcorp
Classification: Benign for Fanconi anemia. Last evaluated: 2026-01-31. Review status: criteria provided, single submitter. Criteria: Invitae Variant Classification Sherloc (09022015). Collection method: clinical testing. Allele origin: germline.

Quest Diagnostics Nichols Institute San Juan Capistrano
Classification: Benign. Last evaluated: 2025-07-28. Review status: criteria provided, single submitter. Criteria: Quest Diagnostics criteria. Collection method: clinical testing. Allele origin: unknown.

Blueprint Genetics
Classification: Likely benign. Last evaluated: 2024-11-22. Review status: criteria provided, single submitter. Criteria: ACMG Guidelines, 2015. Collection method: clinical testing. Allele origin: germline.

Genetic Services Laboratory, University of Chicago
Classification: Benign. Last evaluated: 2018-03-29. Review status: criteria provided, single submitter. Criteria: ACMG Guidelines, 2015. Collection method: clinical testing. Allele origin: germline. Affected: no.

Illumina Laboratory Services, Illumina
Classification: Benign for Fanconi anemia complementation group A. Last evaluated: 2018-01-12. Review status: criteria provided, single submitter. Criteria: ICSL Variant Classification Criteria 13 December 2019. Collection method: clinical testing. Allele origin: germline.
Comment: This variant was observed in the ICSL laboratory as part of a predisposition screen in an ostensibly healthy population. It had not been previously curated by ICSL or reported in the Human Gene Mutation Database (HGMD: prior to June 1st, 2018), and was therefore a candidate for classification through an automated scoring system. Utilizing variant allele frequency, disease prevalence and penetrance estimates, and inheritance mode, an automated score was calculated to assess if this variant is too frequent to cause the disease. Based on the score and internal cut-off values, a variant classified as benign is not then subjected to further curation. The score for this variant resulted in a classification of benign for this disease.

Natera, Inc.
Classification: Benign for Fanconi anemia, group A. Last evaluated: 2020-09-16. Review status: no assertion criteria provided. Collection method: clinical testing. Allele origin: germline. Not counted in ClinVar's aggregate classification.

ITMI
No classification provided. Condition: AllHighlyPenetrant. Last evaluated: 2013-09-19. Review status: no classification provided. Collection method: reference population. Allele origin: germline. Not counted in ClinVar's aggregate classification.
Comment: Please see associated publication for description of ethnicities

Literature cited by the submitters: PubMed 24728327 (cited by Quest Diagnostics Nichols Institute San Juan Capistrano and ITMI); PubMed 28215707 (cited by Quest Diagnostics Nichols Institute San Juan Capistrano); PubMed 28259476 (cited by Quest Diagnostics Nichols Institute San Juan Capistrano).